The following is an entry in ClinVar:

ClinVar aggregate classification (germline): Uncertain significance (1 of 4 stars; one submission).

gnomAD v4.1: 1 of 1,613,206 alleles (0.000062%); highest among the groups gnomAD compares: Admixed American, 0.0017%; no homozygotes.

Submission:

Ambry Genetics
Classification: Uncertain significance. Last evaluated: 2025-11-02. Review status: criteria provided, single submitter. Criteria: Ambry Variant Classification Scheme 2023. Collection method: clinical testing. Allele origin: germline.
Comment: The p.E239Q variant (also known as c.715G>C), located in coding exon 3 of the MYLK2 gene, results from a G to C substitution at nucleotide position 715. The glutamic acid at codon 239 is replaced by glutamine, an amino acid with highly similar properties. This amino acid position is conserved. In addition, this alteration is predicted to be tolerated by in silico analysis. Based on the available evidence, the clinical significance of this variant remains unclear.

NM_033118.4(MYLK2):c.715G>C (p.Glu239Gln)

Gene: MYLK2 (myosin light chain kinase 2; plus strand). Cytogenetic location: 20q11.21.
Variant type: single nucleotide variant.
Coding change: c.715G>C on transcript NM_033118.4 (MANE Select); coding-DNA position 715, G replaced by C.
Protein change: p.Glu239Gln; replaces glutamic acid 239 with glutamine.
Molecular consequence: missense variant.
Genome position (GRCh38, 1-based): chr20:31,821,680, G>C. VCF-style: chr20-31821680-G-C. GRCh37 (hg19) VCF-style: chr20-30409483-G-C.
Other names: short protein forms E239Q.
Identifiers: ClinVar variation 4554939 (VCV004554939.1).
Genomic context (GRCh38, chr20:31,821,680, plus strand): 5'-AAGATGCAAGGGGACACCTCGAGGGGGATTGAGTTCCAGGCTGTTCCCTCAGAGAAATCC[G>C]AGGTGGGGCAGGCCCTCTGTCTCACAGCCAGGGAGGAGGACTGCTTCCAGATTTTGGGTA-3'
Protein context (NP_149109.1, residues 229-249): EFQAVPSEKS[Glu239Gln]VGQALCLTAR